The following is an entry in ClinVar:

NM_001276345.2(TNNT2):c.163+3A>T

Gene: TNNT2 (troponin T2, cardiac type; minus strand). Cytogenetic location: 1q32.1.
Variant type: single nucleotide variant.
Coding change: c.163+3A>T on transcript NM_001276345.2 (MANE Select); 3 bases into the intron after coding-DNA position 163, A replaced by T.
Molecular consequence: intron variant.
Genome position (GRCh38, 1-based): chr1:201,368,159, T>A on the plus strand (A>T on the coding strand, the complement: TNNT2 is on the minus strand). VCF-style: chr1-201368159-T-A. GRCh37 (hg19) VCF-style: chr1-201337287-T-A.
Other names: c.163+3A>T (NM_000364.4, NM_001406723.1, NM_001276346.2); c.133+3A>T (NM_001406726.1, NM_001276347.2, NM_001406727.1 and 4 more transcripts); c.118+3A>T (NM_001001432.3, NM_001406728.1).
Identifiers: ClinVar variation 5030982 (VCV005030982.1).

ClinVar aggregate classification (germline): Uncertain significance (1 of 4 stars; one submission).

Conditions:
Cardiovascular phenotype. Identifiers: MedGen CN230736.

Submission:

Ambry Genetics
Classification: Uncertain significance for Cardiovascular phenotype. Last evaluated: 2026-06-25. Review status: criteria provided, single submitter. Criteria: Ambry Variant Classification Scheme 2023. Collection method: clinical testing. Allele origin: germline.
Comment: The c.133+3A>T intronic variant results from an A to T substitution 3 nucleotides after coding exon 4 in the TNNT2 gene. This nucleotide position is well conserved in available vertebrate species. In silico splice site analysis predicts that this alteration will not have any significant effect on splicing. Based on the available evidence, the clinical significance of this variant remains unclear.